The following is an entry in ClinVar:

NM_001277115.2(DNAH11):c.6706G>C (p.Gly2236Arg)

Gene: DNAH11 (dynein axonemal heavy chain 11; plus strand). Cytogenetic location: 7p15.3.
Variant type: single nucleotide variant.
Coding change: c.6706G>C on transcript NM_001277115.2 (MANE Select); coding-DNA position 6706, G replaced by C.
Protein change: p.Gly2236Arg; replaces glycine 2236 with arginine.
Molecular consequence: missense variant.
Genome position (GRCh38, 1-based): chr7:21,710,575, G>C. VCF-style: chr7-21710575-G-C. GRCh37 (hg19) VCF-style: chr7-21750193-G-C.
Other names: short protein forms G2236R.
Identifiers: ClinVar variation 949194 (VCV000949194.10), dbSNP rs1583616682, ClinGen allele CA366939974.

ClinVar aggregate classification (germline): Likely pathogenic (1 of 4 stars; one submission).

Conditions:
Primary ciliary dyskinesia. Also called: Ciliary dyskinesia. Identifiers: Orphanet 244, MedGen C0008780, MONDO:0016575, HP:0012265.

Submission:

Labcorp Genetics (formerly Invitae), Labcorp
Classification: Likely pathogenic for Primary ciliary dyskinesia. Last evaluated: 2024-03-04. Review status: criteria provided, single submitter. Criteria: Invitae Variant Classification Sherloc (09022015). Collection method: clinical testing. Allele origin: germline.
Comment: This sequence change replaces glycine, which is neutral and non-polar, with arginine, which is basic and polar, at codon 2236 of the DNAH11 protein (p.Gly2236Arg). This variant is not present in population databases (gnomAD no frequency). This missense change has been observed in individual(s) with clinical features of primary ciliary dyskinesia (Invitae). In at least one individual the data is consistent with being in trans (on the opposite chromosome) from a pathogenic variant. ClinVar contains an entry for this variant (Variation ID: 949194). Advanced modeling of protein sequence and biophysical properties (such as structural, functional, and spatial information, amino acid conservation, physicochemical variation, residue mobility, and thermodynamic stability) performed at Invitae indicates that this missense variant is not expected to disrupt DNAH11 protein function with a negative predictive value of 95%. Algorithms developed to predict the effect of sequence changes on RNA splicing suggest that this variant may create or strengthen a splice site. In summary, the currently available evidence indicates that the variant is pathogenic, but additional data are needed to prove that conclusively. Therefore, this variant has been classified as Likely Pathogenic.